The following is an entry in ClinVar:

NM_001401501.2(MUC16):c.42327T>A (p.Thr14109=)

Gene: MUC16 (mucin 16, cell surface associated; minus strand). Cytogenetic location: 19p13.2.
Variant type: single nucleotide variant.
Coding change: c.42327T>A on transcript NM_001401501.2 (MANE Select); coding-DNA position 42327, T replaced by A.
Protein change: p.Thr14109=; no amino-acid change (threonine 14109 retained).
Molecular consequence: synonymous variant.
Genome position (GRCh38, 1-based): chr19:8,894,929, A>T on the plus strand (T>A on the coding strand, the complement: MUC16 is on the minus strand). VCF-style: chr19-8894929-A-T. GRCh37 (hg19) VCF-style: chr19-9005605-A-T.
Other names: c.42753T>A, p.Thr14251= (NM_001414686.1); c.42207T>A, p.Thr14069= (NM_001414687.1); c.39801T>A, p.Thr13267= (NM_024690.2).
Identifiers: ClinVar variation 3034716 (VCV003034716.2), dbSNP rs74835716, ClinGen allele CA9163817.
Genomic context (GRCh38, chr19:8,894,929, plus strand): 5'-TCAGAGCTGCTTACCATTGACATAGAGACTGTCCCTATCCAGGGTGTAGGGTCCCAGCTC[A>T]GTGATGCTGTGGGTCAGCTGGCTCAGCTCCCAGTATAGCTGCTGTCTGTCTAGCCCAGGG-3'
Protein context (NP_001388430.1, residues 14099-14119): WELSQLTHSI[Thr14109=]ELGPYTLDRD

ClinVar aggregate classification (germline): Likely benign (0 of 4 stars; one submission).

Conditions:
MUC16-related disorder. Also called: MUC16-related condition.

Allele frequency attached by ClinVar (database versions not stated): ExAC 0.21835.

Submission:

PreventionGenetics, part of Exact Sciences
Classification: Likely benign for MUC16-related condition. Last evaluated: 2019-07-29. Review status: no assertion criteria provided. Collection method: clinical testing. Allele origin: germline.
Comment: This variant is classified as likely benign based on ACMG/AMP sequence variant interpretation guidelines (Richards et al. 2015 PMID: 25741868, with internal and published modifications).